The following is an entry in ClinVar:

ClinVar aggregate classification (germline): Pathogenic/Likely pathogenic. Review status: criteria provided, multiple submitters, no conflicts (2 of 4 stars). 3 submissions from 3 submitters: Pathogenic (1); Likely pathogenic (2). Last evaluated 2025-08-06.

Conditions:
Niemann-Pick disease, type C1. Also called: NIEMANN-PICK DISEASE, VARIANT TYPE C1; NEUROVISCERAL STORAGE DISEASE WITH VERTICAL SUPRANUCLEAR OPHTHALMOPLEGIA; NIEMANN-PICK DISEASE WITH CHOLESTEROL ESTERIFICATION BLOCK; NIEMANN-PICK DISEASE WITHOUT SPHINGOMYELINASE DEFICIENCY; NIEMANN-PICK DISEASE, CHRONIC NEURONOPATHIC FORM. Identifiers: Orphanet 646, MedGen C3179455, MONDO:0009757, OMIM 257220.

Allele frequency attached by ClinVar (database versions not stated): gnomAD exomes below 0.00001 and 0.00001; TOPMed below 0.00001; gnomAD 0.00001; ExAC 0.00002; 1000 Genomes Project 30x 0.00016; 1000 Genomes Project 0.00020.
gnomAD v4.1: 4 of 1,614,118 alleles (0.00025%); highest among the groups gnomAD compares: Non-Finnish European, 0.00034%; no homozygotes.

Submissions (3):

Natera, Inc.
Classification: Likely pathogenic for Niemann-Pick disease type C1. Last evaluated: 2025-08-06. Review status: criteria provided, single submitter. Criteria: Natera Variant Classification Schema (03/2026). Collection method: clinical testing. Allele origin: germline.
Comment: The c.1412C>T variant in NPC1 is a missense variant predicted to cause substitution of proline to leucine at amino acid 471. This variant is rare in the general population with a frequency below the threshold expected for the associated phenotype(s). This variant has been observed in one or more individuals affected with the associated recessive disease, as either homozygous or compound heterozygous with a second variant (PMID: 35192242). Additionally, this variant has been observed to segregate in affected family members (PMID: 35192242). This variant has been identified in one or more affected individual with a phenotype highly consistent with the associated gene (PMID: 35192242). Computational prediction algorithms indicate this variant is likely to affect gene or protein function. Given the available evidence, this variant is classified as Likely Pathogenic.

Labcorp Genetics (formerly Invitae), Labcorp
Classification: Pathogenic for Niemann-Pick disease, type C1. Last evaluated: 2024-04-01. Review status: criteria provided, single submitter. Criteria: Invitae Variant Classification Sherloc (09022015). Collection method: clinical testing. Allele origin: germline.
Comment: This sequence change replaces proline, which is neutral and non-polar, with leucine, which is neutral and non-polar, at codon 471 of the NPC1 protein (p.Pro471Leu). This variant is present in population databases (rs201226297, gnomAD 0.002%). This missense change has been observed in individual(s) with Niemann–Pick disease type C (PMID: 35192242). In at least one individual the data is consistent with being in trans (on the opposite chromosome) from a pathogenic variant. It has also been observed to segregate with disease in related individuals. ClinVar contains an entry for this variant (Variation ID: 1421549). Advanced modeling of protein sequence and biophysical properties (such as structural, functional, and spatial information, amino acid conservation, physicochemical variation, residue mobility, and thermodynamic stability) performed at Invitae indicates that this missense variant is expected to disrupt NPC1 protein function with a positive predictive value of 95%. For these reasons, this variant has been classified as Pathogenic.

GeneDx
Classification: Likely pathogenic. Last evaluated: 2024-02-07. Review status: criteria provided, single submitter. Criteria: GeneDx Variant Classification Process June 2021. Collection method: clinical testing. Allele origin: germline. Affected: yes.
Comment: Not observed at significant frequency in large population cohorts (gnomAD); In silico analysis supports that this missense variant has a deleterious effect on protein structure/function; This variant is associated with the following publications: (PMID: 25764212, 35192242, Kandakatla2014[Article], Sheth2024[review])

Literature cited by the submitters: PubMed 35192242 (cited by Natera, Inc. and Labcorp Genetics (formerly Invitae), Labcorp).

NM_000271.5(NPC1):c.1412C>T (p.Pro471Leu)

Gene: NPC1 (NPC intracellular cholesterol transporter 1; minus strand). Cytogenetic location: 18q11.2.
Variant type: single nucleotide variant.
Coding change: c.1412C>T on transcript NM_000271.5 (MANE Select); coding-DNA position 1412, C replaced by T.
Protein change: p.Pro471Leu; replaces proline 471 with leucine.
Molecular consequence: missense variant.
Genome position (GRCh38, 1-based): chr18:23,554,899, G>A on the plus strand (C>T on the coding strand, the complement: NPC1 is on the minus strand). VCF-style: chr18-23554899-G-A. GRCh37 (hg19) VCF-style: chr18-21134863-G-A.
Other names: c.1412C>T (NM_000271.4); short protein forms P471L.
Identifiers: ClinVar variation 1421549 (VCV001421549.7), dbSNP rs201226297, ClinGen allele CA8913470.